The following is an entry in ClinVar:

NC_000007.13:g.(?_55223503)_(55228051_?)dup

Gene: EGFR (epidermal growth factor receptor; plus strand). Cytogenetic location: 7p11.2.
Variant type: Duplication.
Identifiers: ClinVar variation 3245837 (VCV003245837.1).

ClinVar aggregate classification (germline): Uncertain significance (1 of 4 stars; one submission).

Conditions:
EGFR-related lung cancer (EGFR). Identifiers: MedGen CN130014.

Submission:

Labcorp Genetics (formerly Invitae), Labcorp
Classification: Uncertain significance for EGFR-related lung cancer. Last evaluated: 2023-11-20. Review status: criteria provided, single submitter. Criteria: Invitae Variant Classification Sherloc (09022015). Collection method: clinical testing. Allele origin: unknown.
Comment: This variant results in a copy number gain of the genomic region encompassing exon(s) 8-12 of the EGFR gene. While the exact position of this variant cannot be determined from the data, sub-genic copy number gains are generally in tandem (PMID: 25640679). This variant is predicted to be in-frame, and likely preserves the integrity of the reading frame. This variant has not been reported in the literature in individuals affected with EGFR-related conditions. Experimental studies and prediction algorithms are not available or were not evaluated, and the functional significance of this variant is currently unknown. In summary, the available evidence is currently insufficient to determine the role of this variant in disease. Therefore, it has been classified as a Variant of Uncertain Significance.

Literature cited by the submitters: PubMed 25640679.